The following is an entry in ClinVar:

NM_138376.3(TTC5):c.42G>C (p.Gln14His)

Genes: TTC5 (tetratricopeptide repeat domain 5; minus strand), LOC130055244 (ATAC-STARR-seq lymphoblastoid active region 8067; plus strand). Cytogenetic location: 14q11.2.
Variant type: single nucleotide variant.
Coding change: c.42G>C on transcript NM_138376.3 (MANE Select); coding-DNA position 42, G replaced by C.
Protein change: p.Gln14His; replaces glutamine 14 with histidine.
Molecular consequence: missense variant.
Genome position (GRCh38, 1-based): chr14:20,305,896, C>G on the plus strand (G>C on the coding strand, the complement: TTC5 is on the minus strand). VCF-style: chr14-20305896-C-G. GRCh37 (hg19) VCF-style: chr14-20774055-C-G.
Other names: short protein forms Q14H.
Identifiers: ClinVar variation 3049613 (VCV003049613.2), dbSNP rs34675160, ClinGen allele CA7077183.
Genomic context (GRCh38, chr14:20,305,896, plus strand): 5'-GCTTCATTCGGAGTAACAAAAACACATACAGAATTTAATCTACGGCCCCACCTGCAATTT[C>G]TGCAAGATCGGCTTGACTTCTTCCTCTTCATCAGCCATCATCTCCCGGCCACTCCACCCC-3'
Protein context (NP_612385.2, residues 4-24): DEEEEVKPIL[Gln14His]KLQELVDQLY

ClinVar aggregate classification (germline): Likely benign (0 of 4 stars; one submission).

Conditions:
TTC5-related disorder. Also called: TTC5-related condition.

Allele frequency attached by ClinVar (database versions not stated): gnomAD exomes 0.00008; ExAC 0.00021; 1000 Genomes Project 30x 0.00062; 1000 Genomes Project 0.00080; gnomAD 0.00080; ESP Exome Variant Server 0.00092.
gnomAD v4.1: 250 of 1,614,158 alleles (0.015%); highest among the groups gnomAD compares: African/African-American, 0.31%; no homozygotes.

Submission:

PreventionGenetics, part of Exact Sciences
Classification: Likely benign for TTC5-related condition. Last evaluated: 2022-07-28. Review status: no assertion criteria provided. Collection method: clinical testing. Allele origin: germline.
Comment: This variant is classified as likely benign based on ACMG/AMP sequence variant interpretation guidelines (Richards et al. 2015 PMID: 25741868, with internal and published modifications).